The following is an entry in ClinVar:

NM_001005522.2(OR2T8):c.92G>C (p.Ser31Thr)

Gene: OR2T8 (olfactory receptor family 2 subfamily T member 8; plus strand). Cytogenetic location: 1q44.
Variant type: single nucleotide variant.
Coding change: c.92G>C on transcript NM_001005522.2 (MANE Select); coding-DNA position 92, G replaced by C.
Protein change: p.Ser31Thr; replaces serine 31 with threonine.
Molecular consequence: missense variant.
Genome position (GRCh38, 1-based): chr1:247,921,109, G>C. VCF-style: chr1-247921109-G-C. GRCh37 (hg19) VCF-style: chr1-248084411-G-C.
Other names: c.92G>C (NM_001005522.1); short protein forms S31T.
Identifiers: ClinVar variation 2640247 (VCV002640247.25), dbSNP rs141251148, ClinGen allele CA1498769.

ClinVar aggregate classification (germline): Conflicting classifications of pathogenicity. Review status: criteria provided, conflicting classifications (1 of 4 stars). 2 submissions from 2 submitters: Uncertain significance (1); Likely benign (1). Last evaluated 2025-08-14.

Allele frequency attached by ClinVar (database versions not stated): ExAC 0.00030; gnomAD exomes 0.00044; 1000 Genomes Project 0.00339; gnomAD 0.00400; 1000 Genomes Project 30x 0.00656.
gnomAD v4.1: 1,260 of 1,605,178 alleles (0.078%); highest among the groups gnomAD compares: African/African-American, 0.86%; 6 homozygotes.

Submissions (2):

Ambry Genetics
Classification: Uncertain significance. Last evaluated: 2025-08-14. Review status: criteria provided, single submitter. Criteria: Ambry Variant Classification Scheme 2023. Collection method: clinical testing. Allele origin: germline.

CeGaT Center for Human Genetics Tuebingen
Classification: Likely benign. Last evaluated: 2023-09-01. Review status: criteria provided, single submitter. Criteria: CeGaT Center For Human Genetics Tuebingen Variant Classification Criteria Version 2. Collection method: clinical testing. Allele origin: germline. Affected: yes. Observed: 1 variant allele.
Comment: OR2T8: PP2, BP4, BS2